The following is an entry in ClinVar:

NM_006922.4(SCN3A):c.240G>A (p.Leu80=)

Gene: SCN3A (sodium voltage-gated channel alpha subunit 3; minus strand). Cytogenetic location: 2q24.3.
Variant type: single nucleotide variant.
Coding change: c.240G>A on transcript NM_006922.4 (MANE Select); coding-DNA position 240, G replaced by A.
Protein change: p.Leu80=; no amino-acid change (leucine 80 retained).
Molecular consequence: synonymous variant.
Genome position (GRCh38, 1-based): chr2:165,176,155, C>T on the plus strand (G>A on the coding strand, the complement: SCN3A is on the minus strand). VCF-style: chr2-165176155-C-T. GRCh37 (hg19) VCF-style: chr2-166032665-C-T.
Other names: c.240G>A, p.Leu80= (NM_001081676.2, NM_001081677.2).
Identifiers: ClinVar variation 1108503 (VCV001108503.32), dbSNP rs567399167, ClinGen allele CA1939485.

ClinVar aggregate classification (germline): Likely benign. Review status: criteria provided, multiple submitters, no conflicts (2 of 4 stars). 2 submissions from 2 submitters: Likely benign (2). Last evaluated 2024-04-20.

Allele frequency attached by ClinVar (database versions not stated): TOPMed 0.00001; gnomAD exomes 0.00003 and 0.00005; gnomAD 0.00006; ExAC 0.00010; 1000 Genomes Project 30x 0.00109; 1000 Genomes Project 0.00140.
gnomAD v4.1: 56 of 1,613,724 alleles (0.0035%); highest among the groups gnomAD compares: South Asian, 0.058%; 1 homozygote.

Submissions (2):

Labcorp Genetics (formerly Invitae), Labcorp
Classification: Likely benign. Last evaluated: 2024-04-20. Review status: criteria provided, single submitter. Criteria: Invitae Variant Classification Sherloc (09022015). Collection method: clinical testing. Allele origin: germline.

CeGaT Center for Human Genetics Tuebingen
Classification: Likely benign. Last evaluated: 2023-04-01. Review status: criteria provided, single submitter. Criteria: CeGaT Center For Human Genetics Tuebingen Variant Classification Criteria Version 2. Collection method: clinical testing. Allele origin: germline. Affected: yes. Observed: 1 variant allele.
Comment: SCN3A: BP4